The following is an entry in ClinVar:

ClinVar aggregate classification (germline): Uncertain significance (1 of 4 stars; one submission).

Allele frequency attached by ClinVar (database versions not stated): gnomAD 0.00001; gnomAD exomes 0.00002; TOPMed 0.00002; ExAC 0.00005.
gnomAD v4.1: 40 of 1,614,008 alleles (0.0025%); highest among the groups gnomAD compares: South Asian, 0.0044%; no homozygotes.

Submission:

Labcorp Genetics (formerly Invitae), Labcorp
Classification: Uncertain significance. Last evaluated: 2024-05-28. Review status: criteria provided, single submitter. Criteria: Invitae Variant Classification Sherloc (09022015). Collection method: clinical testing. Allele origin: germline.
Comment: This sequence change replaces arginine, which is basic and polar, with cysteine, which is neutral and slightly polar, at codon 1059 of the MACF1 protein (p.Arg1059Cys). This variant is present in population databases (rs769675414, gnomAD 0.006%). This variant has not been reported in the literature in individuals affected with MACF1-related conditions. An algorithm developed to predict the effect of missense changes on protein structure and function (PolyPhen-2) suggests that this variant is likely to be tolerated. In summary, the available evidence is currently insufficient to determine the role of this variant in disease. Therefore, it has been classified as a Variant of Uncertain Significance.

NM_001394062.1(MACF1):c.3160C>T (p.Arg1054Cys)

Gene: MACF1 (microtubule actin crosslinking factor 1; plus strand). Cytogenetic location: 1p34.3.
Variant type: single nucleotide variant.
Coding change: c.3160C>T on transcript NM_001394062.1 (MANE Select); coding-DNA position 3160, C replaced by T.
Protein change: p.Arg1054Cys; replaces arginine 1054 with cysteine.
Molecular consequence: missense variant.
Genome position (GRCh38, 1-based): chr1:39,310,890, C>T. VCF-style: chr1-39310890-C-T. GRCh37 (hg19) VCF-style: chr1-39776562-C-T.
Other names: c.3175C>T, p.Arg1059Cys (NM_012090.5); short protein forms R1059C, R1054C.
Identifiers: ClinVar variation 2985979 (VCV002985979.3), dbSNP rs769675414, ClinGen allele CA779909.